The following is an entry in ClinVar:

NC_000009.11:g.(?_111903603)_(111903889_?)del

Gene: FRRS1L (ferric chelate reductase 1 like; minus strand). Cytogenetic location: 9q31.3.
Variant type: Deletion.
Identifiers: ClinVar variation 1459172 (VCV001459172.6).

ClinVar aggregate classification (germline): Pathogenic (1 of 4 stars; one submission).

Conditions:
Developmental and epileptic encephalopathy, 37 (DEE37). Also called: Epileptic encephalopathy, early infantile, 37. Identifiers: MedGen C4310770, MONDO:0014859, OMIM 616981.

Submission:

Labcorp Genetics (formerly Invitae), Labcorp
Classification: Pathogenic for Developmental and epileptic encephalopathy, 37. Last evaluated: 2023-09-10. Review status: criteria provided, single submitter. Criteria: Invitae Variant Classification Sherloc (09022015). Collection method: clinical testing. Allele origin: germline.
Comment: This variant is a gross deletion of the genomic region encompassing exon(s) 4 of the FRRS1L gene. While this deletion is not anticipated to lead to nonsense mediated decay, it is expected to disrupt the C-terminus of the protein. A similar copy number variant has been observed in individual(s) with clinical features of developmental and epileptic encephalopathy (Invitae). In at least one individual the data is consistent with being in trans (on the opposite chromosome) from a pathogenic variant. This variant disrupts a region of the FRRS1L protein in which other variant(s) (p.Gly246del) have been determined to be pathogenic (PMID: 27236917, 32928027; Invitae). This suggests that this is a clinically significant region of the protein, and that variants that disrupt it are likely to be disease-causing. For these reasons, this variant has been classified as Pathogenic.

Literature cited by the submitters: PubMed 27236917; PubMed 32928027.